The following is an entry in ClinVar:

ClinVar aggregate classification (germline): Likely benign (0 of 4 stars; one submission).

Conditions:
BMP6-related disorder. Also called: BMP6-related condition.

Allele frequency attached by ClinVar (database versions not stated): gnomAD exomes 0.00015; ExAC 0.00044; gnomAD 0.00165; TOPMed 0.00176; 1000 Genomes Project 0.00180; ESP Exome Variant Server 0.00192; 1000 Genomes Project 30x 0.00203.
gnomAD v4.1: 479 of 1,614,120 alleles (0.03%); highest among the groups gnomAD compares: African/African-American, 0.6%; 3 homozygotes.

Submission:

PreventionGenetics, part of Exact Sciences
Classification: Likely benign for BMP6-related condition. Last evaluated: 2019-12-06. Review status: no assertion criteria provided. Collection method: clinical testing. Allele origin: germline.
Comment: This variant is classified as likely benign based on ACMG/AMP sequence variant interpretation guidelines (Richards et al. 2015 PMID: 25741868, with internal and published modifications).

NM_001718.6(BMP6):c.877T>C (p.Leu293=)

Gene: BMP6 (bone morphogenetic protein 6; plus strand). Cytogenetic location: 6p24.3.
Variant type: single nucleotide variant.
Coding change: c.877T>C on transcript NM_001718.6 (MANE Select); coding-DNA position 877, T replaced by C.
Protein change: p.Leu293=; no amino-acid change (leucine 293 retained).
Molecular consequence: synonymous variant.
Genome position (GRCh38, 1-based): chr6:7,861,470, T>C. VCF-style: chr6-7861470-T-C. GRCh37 (hg19) VCF-style: chr6-7861703-T-C.
Identifiers: ClinVar variation 3053293 (VCV003053293.2), dbSNP rs144129356, ClinGen allele CA3628750.